The following is an entry in ClinVar:

ClinVar aggregate classification (germline): Pathogenic (1 of 4 stars; one submission).

Conditions:
Immunodeficiency 19 (IMD19). Also called: SCID, T CELL-NEGATIVE, B CELL-POSITIVE, NK CELL-POSITIVE; CD3-DELTA DEFICIENCY; SEVERE COMBINED IMMUNODEFICIENCY, T CELL-NEGATIVE, B CELL-POSITIVE, NK CELL-POSITIVE; IMMUNODEFICIENCY 19, SEVERE COMBINED. Identifiers: MedGen C3810147, MONDO:0014280, OMIM 615617.

Allele frequency attached by ClinVar (database versions not stated): gnomAD exomes below 0.00001.

Submission:

Labcorp Genetics (formerly Invitae), Labcorp
Classification: Pathogenic for Immunodeficiency 19. Last evaluated: 2025-10-20. Review status: criteria provided, single submitter. Criteria: Invitae Variant Classification Sherloc (09022015). Collection method: clinical testing. Allele origin: germline.
Comment: This sequence change creates a premature translational stop signal (p.Trp43*) in the CD3D gene. It is expected to result in an absent or disrupted protein product. Loss-of-function variants in CD3D are known to be pathogenic (PMID: 14602880, 15546002). This variant is not present in population databases (gnomAD no frequency). This variant has not been reported in the literature in individuals affected with CD3D-related conditions. ClinVar contains an entry for this variant (Variation ID: 643120). Algorithms developed to predict the effect of sequence changes on RNA splicing suggest that this variant may disrupt the consensus splice site. For these reasons, this variant has been classified as Pathogenic.

Literature cited by the submitters: PubMed 14602880; PubMed 15546002.

NM_000732.6(CD3D):c.128G>A (p.Trp43Ter)

Gene: CD3D (CD3 delta subunit of T-cell receptor complex; minus strand). Cytogenetic location: 11q23.3.
Variant type: single nucleotide variant.
Coding change: c.128G>A on transcript NM_000732.6 (MANE Select); coding-DNA position 128, G replaced by A.
Protein change: p.Trp43Ter; replaces tryptophan 43 with a stop codon.
Molecular consequence: nonsense.
Genome position (GRCh38, 1-based): chr11:118,340,521, C>T on the plus strand (G>A on the coding strand, the complement: CD3D is on the minus strand). VCF-style: chr11-118340521-C-T. GRCh37 (hg19) VCF-style: chr11-118211236-C-T.
Other names: c.128G>A, p.Trp43Ter (NM_001040651.2); short protein forms W43*.
Identifiers: ClinVar variation 643120 (VCV000643120.6), dbSNP rs1591278347, ClinGen allele CA382789484.
Genomic context (GRCh38, chr11:118,340,521, plus strand): 5'-CGTTTTCCCAGGTCCAGTCTTGTAATGTCTGAGAGCAGTGTTCCCACCGTTCCCTCTACC[C>T]ATGTGATGCTGGTATTGCAATTCACAAACACTCTGTCCTCAAGTTCCTCTATAGGTATCT-3'